The following is an entry in ClinVar:

NM_015512.5(DNAH1):c.5765+1G>A

Gene: DNAH1 (dynein axonemal heavy chain 1; plus strand). Cytogenetic location: 3p21.1.
Variant type: single nucleotide variant.
Coding change: c.5765+1G>A on transcript NM_015512.5 (MANE Select); the canonical splice donor site of the intron after coding-DNA position 5765, G replaced by A.
Molecular consequence: splice donor variant.
Genome position (GRCh38, 1-based): chr3:52,366,888, G>A. VCF-style: chr3-52366888-G-A. GRCh37 (hg19) VCF-style: chr3-52400904-G-A.
Identifiers: ClinVar variation 2636243 (VCV002636243.1), dbSNP rs2471221603, ClinGen allele CA353150084.

ClinVar aggregate classification (germline): Likely pathogenic (1 of 4 stars; one submission).

Conditions:
DNAH1-related disorder. Also called: DNAH1-related condition.

Submission:

PreventionGenetics, part of Exact Sciences
Classification: Likely pathogenic for DNAH1-related condition. Last evaluated: 2022-09-23. Review status: criteria provided, single submitter. Criteria: ACMG Guidelines, 2015. Collection method: clinical testing. Allele origin: germline.
Comment: The DNAH1 c.5765+1G>A variant is predicted to disrupt the GT donor site and interfere with normal splicing. To our knowledge, this variant has not been reported in the literature or in a large population database, indicating this variant is rare. Variants that disrupt the consensus splice donor site in DNAH1 are expected to be pathogenic. This variant is interpreted as likely pathogenic.